The following is an entry in ClinVar:

ClinVar aggregate classification (germline): Likely benign. Review status: criteria provided, multiple submitters, no conflicts (2 of 4 stars). 2 submissions from 2 submitters: Likely benign (2). Last evaluated 2018-06-14.

Allele frequency attached by ClinVar (database versions not stated): 1000 Genomes Project 0.00659; 1000 Genomes Project 30x 0.00671; gnomAD 0.00823 and 0.00868; TOPMed 0.00951; gnomAD exomes 0.01131.
gnomAD v4.1: 16,926 of 1,529,450 alleles (1.1%); highest among the groups gnomAD compares: Middle Eastern, 1.9%; 121 homozygotes.

Submissions (2):

GeneDx
Classification: Likely benign. Last evaluated: 2018-06-14. Review status: criteria provided, single submitter. Criteria: GeneDx Variant Classification (06012015). Collection method: clinical testing. Allele origin: germline. Affected: yes.
Comment: This variant is considered likely benign or benign based on one or more of the following criteria: it is a conservative change, it occurs at a poorly conserved position in the protein, it is predicted to be benign by multiple in silico algorithms, and/or has population frequency not consistent with disease.

Breakthrough Genomics
Classification: Likely benign. Review status: criteria provided, single submitter. Criteria: ACMG Guidelines, 2015. Collection method: not provided. Allele origin: germline. Inheritance: Autosomal recessive inheritance. Affected: yes.

NM_024678.6(NARS2):c.1290-53A>G

Gene: NARS2 (asparaginyl-tRNA synthetase 2, mitochondrial; minus strand). Cytogenetic location: 11q14.1.
Variant type: single nucleotide variant.
Coding change: c.1290-53A>G on transcript NM_024678.6 (MANE Select); 53 bases into the intron before coding-DNA position 1290, A replaced by G.
Molecular consequence: intron variant.
Genome position (GRCh38, 1-based): chr11:78,436,867, T>C on the plus strand (A>G on the coding strand, the complement: NARS2 is on the minus strand). VCF-style: chr11-78436867-T-C. GRCh37 (hg19) VCF-style: chr11-78147913-T-C.
Other names: c.609-53A>G (NM_001243251.2).
Identifiers: ClinVar variation 676765 (VCV000676765.2), dbSNP rs143231520, ClinGen allele CA225096456.